The following is an entry in ClinVar:

NM_000350.3(ABCA4):c.3407G>T (p.Gly1136Val)

Gene: ABCA4 (ATP binding cassette subfamily A member 4; minus strand). Cytogenetic location: 1p22.1.
Variant type: single nucleotide variant.
Coding change: c.3407G>T on transcript NM_000350.3 (MANE Select); coding-DNA position 3407, G replaced by T.
Protein change: p.Gly1136Val; replaces glycine 1136 with valine.
Molecular consequence: missense variant.
Genome position (GRCh38, 1-based): chr1:94,041,324, C>A on the plus strand (G>T on the coding strand, the complement: ABCA4 is on the minus strand). VCF-style: chr1-94041324-C-A. GRCh37 (hg19) VCF-style: chr1-94506880-C-A.
Other names: c.3185G>T, p.Gly1062Val (NM_001425324.1); short protein forms G1136V, G1062V.
Identifiers: ClinVar variation 959566 (VCV000959566.7), dbSNP rs1660480045, ClinGen allele CA341290973.

ClinVar aggregate classification (germline): Pathogenic (1 of 4 stars; one submission).

Submission:

Labcorp Genetics (formerly Invitae), Labcorp
Classification: Pathogenic. Last evaluated: 2021-11-03. Review status: criteria provided, single submitter. Criteria: Invitae Variant Classification Sherloc (09022015). Collection method: clinical testing. Allele origin: germline.
Comment: This sequence change replaces glycine, which is neutral and non-polar, with valine, which is neutral and non-polar, at codon 1136 of the ABCA4 protein (p.Gly1136Val). This variant is not present in population databases (gnomAD no frequency). This missense change has been observed in individual(s) with ABCA4-related conditions (PMID: 28327576; Invitae). ClinVar contains an entry for this variant (Variation ID: 959566). Advanced modeling of protein sequence and biophysical properties (such as structural, functional, and spatial information, amino acid conservation, physicochemical variation, residue mobility, and thermodynamic stability) performed at Invitae indicates that this missense variant is expected to disrupt ABCA4 protein function. Algorithms developed to predict the effect of sequence changes on RNA splicing suggest that this variant may create or strengthen a splice site. For these reasons, this variant has been classified as Pathogenic.

Literature cited by the submitters: PubMed 28327576.